The following is an entry in ClinVar:

NM_001369.3(DNAH5):c.4622A>G (p.Glu1541Gly)

Genes: DNAH5 (dynein axonemal heavy chain 5; minus strand), DNAH5-AS1 (DNAH5 antisense RNA 1; plus strand). Cytogenetic location: 5p15.2.
Variant type: single nucleotide variant.
Coding change: c.4622A>G on transcript NM_001369.3 (MANE Select); coding-DNA position 4622, A replaced by G.
Protein change: p.Glu1541Gly; replaces glutamic acid 1541 with glycine.
Molecular consequence: missense variant.
Genome position (GRCh38, 1-based): chr5:13,862,722, T>C on the plus strand (A>G on the coding strand, the complement: DNAH5 is on the minus strand). VCF-style: chr5-13862722-T-C. GRCh37 (hg19) VCF-style: chr5-13862831-T-C.
Other names: short protein forms E1541G.
Identifiers: ClinVar variation 3221508 (VCV003221508.1), dbSNP rs2546974118, ClinGen allele CA359222522.

ClinVar aggregate classification (germline): Uncertain significance (1 of 4 stars; one submission).

Conditions:
Primary ciliary dyskinesia. Also called: Ciliary dyskinesia. Identifiers: Orphanet 244, MedGen C0008780, MONDO:0016575, HP:0012265.

Submission:

Ambry Genetics
Classification: Uncertain significance for Primary ciliary dyskinesia. Last evaluated: 2024-03-08. Review status: criteria provided, single submitter. Criteria: Ambry Variant Classification Scheme 2023. Collection method: clinical testing. Allele origin: germline.
Comment: The p.E1541G variant (also known as c.4622A>G), located in coding exon 29 of the DNAH5 gene, results from an A to G substitution at nucleotide position 4622. The glutamic acid at codon 1541 is replaced by glycine, an amino acid with similar properties. This amino acid position is conserved. In addition, this alteration is predicted to be deleterious by in silico analysis. Based on the available evidence, the clinical significance of this alteration remains unclear.